The following is an entry in ClinVar:

ClinVar aggregate classification (germline): Uncertain significance. Review status: criteria provided, single submitter (1 of 4 stars). 2 submissions from 2 submitters: Uncertain significance (1). 1 of the submissions does not count toward it. Last evaluated 2022-09-06.

Conditions:
Retinitis pigmentosa 25 (RP25). Identifiers: Orphanet 791, MedGen C1864446, MONDO:0011272, OMIM 602772.

Submissions (2):

Labcorp Genetics (formerly Invitae), Labcorp
Classification: Uncertain significance. Last evaluated: 2022-09-06. Review status: criteria provided, single submitter. Criteria: Invitae Variant Classification Sherloc (09022015). Collection method: clinical testing. Allele origin: germline.
Comment: In summary, the available evidence is currently insufficient to determine the role of this variant in disease. Therefore, it has been classified as a Variant of Uncertain Significance. Algorithms developed to predict the effect of missense changes on protein structure and function are either unavailable or do not agree on the potential impact of this missense change (SIFT: "Deleterious"; PolyPhen-2: "Probably Damaging"; Align-GVGD: "Class C0"). ClinVar contains an entry for this variant (Variation ID: 1020539). This missense change has been observed in individuals with EYS-related conditions (Invitae). This variant is not present in population databases (gnomAD no frequency). This sequence change replaces tyrosine, which is neutral and polar, with histidine, which is basic and polar, at codon 2735 of the EYS protein (p.Tyr2735His).

Natera, Inc.
Classification: Uncertain significance for Retinitis pigmentosa type 25. Last evaluated: 2021-09-01. Review status: no assertion criteria provided. Collection method: clinical testing. Allele origin: germline. Not counted in ClinVar's aggregate classification.

NM_001142800.2(EYS):c.8203T>C (p.Tyr2735His)

Gene: EYS (EGF-like photoreceptor maintenance factor; minus strand). Cytogenetic location: 6q12.
Variant type: single nucleotide variant.
Coding change: c.8203T>C on transcript NM_001142800.2 (MANE Select); coding-DNA position 8203, T replaced by C.
Protein change: p.Tyr2735His; replaces tyrosine 2735 with histidine.
Molecular consequence: missense variant.
Genome position (GRCh38, 1-based): chr6:63,726,549, A>G on the plus strand (T>C on the coding strand, the complement: EYS is on the minus strand). VCF-style: chr6-63726549-A-G. GRCh37 (hg19) VCF-style: chr6-64436442-A-G.
Other names: c.8266T>C, p.Tyr2756His (NM_001292009.2); short protein forms Y2735H, Y2756H.
Identifiers: ClinVar variation 1020539 (VCV001020539.9), dbSNP rs1768623493, ClinGen allele CA364385823.